The following is an entry in ClinVar:

NM_014363.6(SACS):c.5060C>T (p.Thr1687Ile)

Gene: SACS (sacsin molecular chaperone; minus strand). Cytogenetic location: 13q12.12.
Variant type: single nucleotide variant.
Coding change: c.5060C>T on transcript NM_014363.6 (MANE Select); coding-DNA position 5060, C replaced by T.
Protein change: p.Thr1687Ile; replaces threonine 1687 with isoleucine.
Molecular consequence: missense variant.
Genome position (GRCh38, 1-based): chr13:23,338,816, G>A on the plus strand (C>T on the coding strand, the complement: SACS is on the minus strand). VCF-style: chr13-23338816-G-A. GRCh37 (hg19) VCF-style: chr13-23912955-G-A.
Other names: c.4619C>T, p.Thr1540Ile (NM_001278055.2); c.5060C>T (NM_014363.4); short protein forms T1540I, T1687I.
Identifiers: ClinVar variation 843017 (VCV000843017.4), dbSNP rs776656956, ClinGen allele CA6911305.

ClinVar aggregate classification (germline): Uncertain significance. Review status: criteria provided, multiple submitters, no conflicts (2 of 4 stars). 3 submissions from 3 submitters: Uncertain significance (2). 1 of the submissions does not count toward it. Last evaluated 2024-03-28.

Conditions:
Charlevoix-Saguenay spastic ataxia (SACS). Also called: AUTOSOMAL RECESSIVE SPASTIC ATAXIA OF CHARLEVOIX-SAGUENAY; SPASTIC ATAXIA 6, AUTOSOMAL RECESSIVE; Spastic ataxia of Charlevoix-Saguenay. Identifiers: Orphanet 98, MedGen C1849140, MONDO:0010041, OMIM 270550.
Inborn genetic diseases. Identifiers: MedGen C0950123, MeSH D030342.
Spastic paraplegia. Identifiers: MedGen C0037772, HP:0001258.

Allele frequency attached by ClinVar (database versions not stated): gnomAD exomes 0.00001 and 0.00002; ExAC 0.00002; TOPMed 0.00004.
gnomAD v4.1: 30 of 1,613,022 alleles (0.0019%); highest among the groups gnomAD compares: Non-Finnish European, 0.0025%; no homozygotes.

Submissions (3):

Ambry Genetics
Classification: Uncertain significance for Inborn genetic diseases. Last evaluated: 2024-03-28. Review status: criteria provided, single submitter. Criteria: Ambry Variant Classification Scheme 2023. Collection method: clinical testing. Allele origin: germline.

Labcorp Genetics (formerly Invitae), Labcorp
Classification: Uncertain significance for Spastic paraplegia. Last evaluated: 2021-08-27. Review status: criteria provided, single submitter. Criteria: Invitae Variant Classification Sherloc (09022015). Collection method: clinical testing. Allele origin: germline.
Comment: This sequence change replaces threonine with isoleucine at codon 1687 of the SACS protein (p.Thr1687Ile). The threonine residue is highly conserved and there is a moderate physicochemical difference between threonine and isoleucine. This variant is present in population databases (rs776656956, ExAC 0.003%). This variant has not been reported in the literature in individuals affected with SACS-related conditions. Algorithms developed to predict the effect of missense changes on protein structure and function are either unavailable or do not agree on the potential impact of this missense change (SIFT: "Deleterious"; PolyPhen-2: "Benign"; Align-GVGD: "Class C0"). In summary, the available evidence is currently insufficient to determine the role of this variant in disease. Therefore, it has been classified as a Variant of Uncertain Significance.

Natera, Inc.
Classification: Uncertain significance for Charlevoix-Saguenay type spastic ataxia. Last evaluated: 2020-09-16. Review status: no assertion criteria provided. Collection method: clinical testing. Allele origin: germline. Not counted in ClinVar's aggregate classification.